The following is an entry in ClinVar:

ClinVar aggregate classification (germline): Uncertain significance (1 of 4 stars; one submission).

Submission:

Labcorp Genetics (formerly Invitae), Labcorp
Classification: Uncertain significance. Last evaluated: 2025-01-06. Review status: criteria provided, single submitter. Criteria: Invitae Variant Classification Sherloc (09022015). Collection method: clinical testing. Allele origin: germline.
Comment: This sequence change replaces glutamic acid, which is acidic and polar, with glycine, which is neutral and non-polar, at codon 130 of the VPS33B protein (p.Glu130Gly). This variant is not present in population databases (gnomAD no frequency). This variant has not been reported in the literature in individuals affected with VPS33B-related conditions. Invitae Evidence Modeling of protein sequence and biophysical properties (such as structural, functional, and spatial information, amino acid conservation, physicochemical variation, residue mobility, and thermodynamic stability) has been performed for this missense variant. However, the output from this modeling did not meet the statistical confidence thresholds required to predict the impact of this variant on VPS33B protein function. In summary, the available evidence is currently insufficient to determine the role of this variant in disease. Therefore, it has been classified as a Variant of Uncertain Significance.

NM_018668.5(VPS33B):c.389A>G (p.Glu130Gly)

Gene: VPS33B (VPS33B late endosome and lysosome associated; minus strand). Cytogenetic location: 15q26.1.
Variant type: single nucleotide variant.
Coding change: c.389A>G on transcript NM_018668.5 (MANE Select); coding-DNA position 389, A replaced by G.
Protein change: p.Glu130Gly; replaces glutamic acid 130 with glycine.
Molecular consequence: missense variant.
Genome position (GRCh38, 1-based): chr15:91,009,815, T>C on the plus strand (A>G on the coding strand, the complement: VPS33B is on the minus strand). VCF-style: chr15-91009815-T-C. GRCh37 (hg19) VCF-style: chr15-91553045-T-C.
Other names: c.308A>G, p.Glu103Gly (NM_001289148.1); c.116A>G, p.Glu39Gly (NM_001289149.1); short protein forms E130G, E39G, E103G.
Identifiers: ClinVar variation 3649080 (VCV003649080.2).